The following is an entry in ClinVar:

NM_139285.4(GAS2L2):c.1644C>T (p.Ser548=)

Gene: GAS2L2 (growth arrest specific 2 like 2; minus strand). Cytogenetic location: 17q12.
Variant type: single nucleotide variant.
Coding change: c.1644C>T on transcript NM_139285.4 (MANE Select); coding-DNA position 1644, C replaced by T.
Protein change: p.Ser548=; no amino-acid change (serine 548 retained).
Molecular consequence: synonymous variant.
Genome position (GRCh38, 1-based): chr17:35,745,853, G>A on the plus strand (C>T on the coding strand, the complement: GAS2L2 is on the minus strand). VCF-style: chr17-35745853-G-A. GRCh37 (hg19) VCF-style: chr17-34072872-G-A.
Identifiers: ClinVar variation 3049267 (VCV003049267.3), dbSNP rs142641693, ClinGen allele CA8506015.
Genomic context (GRCh38, chr17:35,745,853, plus strand): 5'-GACCTGGATGTCCAGCTGCTGGTCCTCCTGCCTCACTTCCACAGAGCAGTCCCCATGCGT[G>A]GACCCAGCCAGGTCCACAGTGACGGCCCTTAGTGGGATGGGGTCTCTCCCAAGTTCTGTC-3'
Protein context (NP_644814.1, residues 538-558): LRAVTVDLAG[Ser548=]THGDCSVEVR

ClinVar aggregate classification (germline): Likely benign. Review status: criteria provided, single submitter (1 of 4 stars). 2 submissions from 2 submitters: Likely benign (1). 1 of the submissions does not count toward it. Last evaluated 2023-02-10.

Conditions:
GAS2L2-related disorder. Also called: GAS2L2-related condition.

Allele frequency attached by ClinVar (database versions not stated): gnomAD exomes 0.00009; ExAC 0.00031; gnomAD 0.00082; ESP Exome Variant Server 0.00085; TOPMed 0.00096; 1000 Genomes Project 0.00120; 1000 Genomes Project 30x 0.00141.
gnomAD v4.1: 267 of 1,613,862 alleles (0.017%); highest among the groups gnomAD compares: African/African-American, 0.32%; no homozygotes.

Submissions (2):

Blueprint Genetics
Classification: Likely benign. Last evaluated: 2023-02-10. Review status: criteria provided, single submitter. Criteria: ACMG Guidelines, 2015. Collection method: clinical testing. Allele origin: germline.

PreventionGenetics, part of Exact Sciences
Classification: Likely benign for GAS2L2-related condition. Last evaluated: 2019-11-25. Review status: no assertion criteria provided. Collection method: clinical testing. Allele origin: germline. Not counted in ClinVar's aggregate classification.
Comment: This variant is classified as likely benign based on ACMG/AMP sequence variant interpretation guidelines (Richards et al. 2015 PMID: 25741868, with internal and published modifications).